The following is an entry in ClinVar:

NM_015355.4(SUZ12):c.16C>G (p.His6Asp)

Gene: SUZ12 (SUZ12 polycomb repressive complex 2 subunit; plus strand). Cytogenetic location: 17q11.2.
Variant type: single nucleotide variant.
Coding change: c.16C>G on transcript NM_015355.4 (MANE Select); coding-DNA position 16, C replaced by G.
Protein change: p.His6Asp; replaces histidine 6 with aspartic acid.
Molecular consequence: missense variant.
Genome position (GRCh38, 1-based): chr17:31,937,262, C>G. VCF-style: chr17-31937262-C-G. GRCh37 (hg19) VCF-style: chr17-30264281-C-G.
Other names: c.16C>G, p.His6Asp (NM_001321207.2); short protein forms H6D.
Identifiers: ClinVar variation 1878922 (VCV001878922.1), dbSNP rs1905986323, ClinGen allele CA399030262.
Genomic context (GRCh38, chr17:31,937,262, plus strand): 5'-GGCCGCCCGGCGGGTAGCTGGCGGGGGGAGGAGGCAGGAACCGCGATGGCGCCTCAGAAG[C>G]ACGGCGGTGGGGGAGGGGGCGGCTCGGGGCCCAGCGCGGGGTCCGGGGGAGGCGGCTTCG-3'
Protein context (NP_056170.2, residues 1-16): MAPQK[His6Asp]GGGGGGGSGP

ClinVar aggregate classification (germline): Uncertain significance (1 of 4 stars; one submission).

Submission:

GeneDx
Classification: Uncertain significance. Last evaluated: 2022-07-15. Review status: criteria provided, single submitter. Criteria: GeneDx Variant Classification Process June 2021. Collection method: clinical testing. Allele origin: germline. Affected: yes.
Comment: Not observed at significant frequency in large population cohorts (gnomAD); In silico analysis supports that this missense variant does not alter protein structure/function; Has not been previously published as pathogenic or benign to our knowledge